The following is an entry in ClinVar:

NM_001276345.2(TNNT2):c.489+119G>A

Gene: TNNT2 (troponin T2, cardiac type; minus strand). Cytogenetic location: 1q32.1.
Variant type: single nucleotide variant.
Coding change: c.489+119G>A on transcript NM_001276345.2 (MANE Select); 119 bases into the intron after coding-DNA position 489, G replaced by A.
Molecular consequence: intron variant.
Genome position (GRCh38, 1-based): chr1:201,364,179, C>T on the plus strand (G>A on the coding strand, the complement: TNNT2 is on the minus strand). VCF-style: chr1-201364179-C-T. GRCh37 (hg19) VCF-style: chr1-201333307-C-T.
Other names: NC_000001.10:g.201333307C>T; c.444+119G>A (NM_001001432.3); c.459+119G>A (NM_001001431.3, NM_001001430.3, NM_001276347.2); c.369+119G>A (NM_001276346.2); c.489+119G>A (NM_000364.4).
Identifiers: ClinVar variation 675347 (VCV000675347.2), dbSNP rs139924149, ClinGen allele CA35422359.

ClinVar aggregate classification (germline): Likely benign (1 of 4 stars; one submission).

Allele frequency attached by ClinVar (database versions not stated): gnomAD exomes 0.00112; 1000 Genomes Project 30x 0.00953; gnomAD 0.01020 and 0.01113; 1000 Genomes Project 0.01058; TOPMed 0.01144.
gnomAD v4.1: 2,704 of 1,147,558 alleles (0.24%); highest among the groups gnomAD compares: African/African-American, 3.5%; 41 homozygotes.

Submissions (3):

GeneDx
Classification: Likely benign. Last evaluated: 2018-06-14. Review status: criteria provided, single submitter. Criteria: GeneDx Variant Classification (06012015). Collection method: clinical testing. Allele origin: germline. Affected: yes.
Comment: This variant is considered likely benign or benign based on one or more of the following criteria: it is a conservative change, it occurs at a poorly conserved position in the protein, it is predicted to be benign by multiple in silico algorithms, and/or has population frequency not consistent with disease.

Dr. Peter K. Rogan Lab, Western University
No classification provided (evidence only). Condition: Familial cancer of breast. Review status: no classification provided. Collection method: in vitro. Allele origin: not applicable. Functional consequence: retained intron. Not counted in ClinVar's aggregate classification.

Dr. Peter K. Rogan Lab, Western University
No classification provided (evidence only). Condition: Uterine carcinosarcoma. Review status: no classification provided. Collection method: in vitro. Allele origin: not applicable. Functional consequence: retained intron. Not counted in ClinVar's aggregate classification.